The following is an entry in ClinVar:

ClinVar aggregate classification (germline): Uncertain significance (1 of 4 stars; one submission).

Allele frequency attached by ClinVar (database versions not stated): TOPMed below 0.00001.

Submission:

GeneDx
Classification: Uncertain significance. Last evaluated: 2024-01-24. Review status: criteria provided, single submitter. Criteria: GeneDx Variant Classification Process June 2021. Collection method: clinical testing. Allele origin: germline. Affected: yes.
Comment: Has not been previously published as pathogenic or benign to our knowledge; In silico analysis supports that this missense variant does not alter protein structure/function; Not observed at significant frequency in large population cohorts (gnomAD)

NM_005334.3(HCFC1):c.4780G>A (p.Glu1594Lys)

Gene: HCFC1 (host cell factor C1; minus strand). Cytogenetic location: Xq28.
Variant type: single nucleotide variant.
Coding change: c.4780G>A on transcript NM_005334.3 (MANE Select); coding-DNA position 4780, G replaced by A.
Protein change: p.Glu1594Lys; replaces glutamic acid 1594 with lysine.
Molecular consequence: missense variant.
Genome position (GRCh38, 1-based): chrX:153,952,676, C>T on the plus strand (G>A on the coding strand, the complement: HCFC1 is on the minus strand). VCF-style: chrX-153952676-C-T. GRCh37 (hg19) VCF-style: chrX-153218127-C-T.
Other names: short protein forms E1594K.
Identifiers: ClinVar variation 1314023 (VCV001314023.3), dbSNP rs1466759880, ClinGen allele CA415110123.
Genomic context (GRCh38, chrX:153,952,676, plus strand): 5'-CTGCCAGCTCCTCGGGGGTGAGCCCCGTTACCATGAGGGTGGTGGTGCCAGCTTGGGCCT[C>T]GGCCATTAGCTCTTGGGGAAGTGATAACTGGTCTACTTCGGACTGTGTGGGTGGGGGTGG-3'
Protein context (NP_005325.2, residues 1584-1604): QLSLPQELMA[Glu1594Lys]AQAGTTTLMV